The following is an entry in ClinVar:

NM_006924.5(SRSF1):c.410T>C (p.Leu137Ser)

Genes: SRSF1 (serine and arginine rich splicing factor 1; minus strand), LOC126862603 (BRD4-independent group 4 enhancer GRCh37_chr17:56082218-56083417; plus strand). Cytogenetic location: 17q22.
Variant type: single nucleotide variant.
Coding change: c.410T>C on transcript NM_006924.5 (MANE Select); coding-DNA position 410, T replaced by C.
Protein change: p.Leu137Ser; replaces leucine 137 with serine.
Molecular consequence: missense variant. On other transcripts: non-coding transcript variant (2).
Genome position (GRCh38, 1-based): chr17:58,005,943, A>G on the plus strand (T>C on the coding strand, the complement: SRSF1 is on the minus strand). VCF-style: chr17-58005943-A-G. GRCh37 (hg19) VCF-style: chr17-56083304-A-G.
Other names: c.410T>C, p.Leu137Ser (NM_001078166.2); short protein forms L137S.
Identifiers: ClinVar variation 4855705 (VCV004855705.1).

ClinVar aggregate classification (germline): Uncertain significance (1 of 4 stars; one submission).

Conditions:
Neurodevelopmental disorder with dysmorphic facies and behavioral abnormalities (NEDFBA). Identifiers: MedGen C5882684, MONDO:0957583, OMIM 620489.

Submission:

3billion
Classification: Uncertain significance for Neurodevelopmental disorder with dysmorphic facies and behavioral abnormalities. Last evaluated: 2025-11-10. Review status: criteria provided, single submitter. Criteria: ACMG Guidelines, 2015. Collection method: clinical testing. Allele origin: germline. Affected: yes.
Comment: The variant is not observed in the gnomAD v4.1.0 dataset. Predicted Consequence/Location: Missense variant In silico tool predictions suggest damaging effect of the variant on gene or gene product [REVEL: 0.73 (>=0.6, sensitivity 0.68 and specificity 0.92)]. Therefore, this variant is classified as VUS according to the recommendation of ACMG/AMP guideline.